The following is an entry in ClinVar:

ClinVar aggregate classification (germline): Uncertain significance (1 of 4 stars; one submission).

Conditions:
JAG1-related disorder. Also called: JAG1-related condition; JAG1-related disorders.

Submission:

PreventionGenetics, part of Exact Sciences
Classification: Uncertain significance for JAG1-related condition. Last evaluated: 2023-07-13. Review status: criteria provided, single submitter. Criteria: ACMG Guidelines, 2015. Collection method: clinical testing. Allele origin: germline.
Comment: The JAG1 c.2300C>G variant is predicted to result in the amino acid substitution p.Thr767Arg. To our knowledge, this variant has not been reported in the literature or in a large population database, indicating this variant is rare. At this time, the clinical significance of this variant is uncertain due to the absence of conclusive functional and genetic evidence.

NM_000214.3(JAG1):c.2300C>G (p.Thr767Arg)

Gene: JAG1 (jagged canonical Notch ligand 1; minus strand). Cytogenetic location: 20p12.2.
Variant type: single nucleotide variant.
Coding change: c.2300C>G on transcript NM_000214.3 (MANE Select); coding-DNA position 2300, C replaced by G.
Protein change: p.Thr767Arg; replaces threonine 767 with arginine.
Molecular consequence: missense variant.
Genome position (GRCh38, 1-based): chr20:10,644,907, G>C on the plus strand (C>G on the coding strand, the complement: JAG1 is on the minus strand). VCF-style: chr20-10644907-G-C. GRCh37 (hg19) VCF-style: chr20-10625555-G-C.
Other names: short protein forms T767R.
Identifiers: ClinVar variation 2631620 (VCV002631620.1), dbSNP rs140330283, ClinGen allele CA408234928.